The following is an entry in ClinVar:

ClinVar aggregate classification (germline): Uncertain significance (1 of 4 stars; one submission).

Allele frequency attached by ClinVar (database versions not stated): TOPMed 0.00001.
gnomAD v4.1: 4 of 1,585,946 alleles (0.00025%); highest among the groups gnomAD compares: Non-Finnish European, 0.00017%; no homozygotes.

Submission:

Labcorp Genetics (formerly Invitae), Labcorp
Classification: Uncertain significance. Last evaluated: 2022-03-27. Review status: criteria provided, single submitter. Criteria: Invitae Variant Classification Sherloc (09022015). Collection method: clinical testing. Allele origin: germline.
Comment: In summary, the available evidence is currently insufficient to determine the role of this variant in disease. Therefore, it has been classified as a Variant of Uncertain Significance. Algorithms developed to predict the effect of missense changes on protein structure and function (SIFT, PolyPhen-2, Align-GVGD) all suggest that this variant is likely to be tolerated. This variant has not been reported in the literature in individuals affected with MMP2-related conditions. This variant is present in population databases (no rsID available, gnomAD 0.001%). This sequence change replaces alanine, which is neutral and non-polar, with threonine, which is neutral and polar, at codon 6 of the MMP2 protein (p.Ala6Thr).

NM_004530.6(MMP2):c.16G>A (p.Ala6Thr)

Gene: MMP2 (matrix metallopeptidase 2; plus strand). Cytogenetic location: 16q12.2.
Variant type: single nucleotide variant.
Coding change: c.16G>A on transcript NM_004530.6 (MANE Select); coding-DNA position 16, G replaced by A.
Protein change: p.Ala6Thr; replaces alanine 6 with threonine.
Molecular consequence: missense variant. On other transcripts: intron variant (1).
Genome position (GRCh38, 1-based): chr16:55,479,495, G>A. VCF-style: chr16-55479495-G-A. GRCh37 (hg19) VCF-style: chr16-55513407-G-A.
Other names: c.-76+530G>A (NM_001302508.1); short protein forms A6T.
Identifiers: ClinVar variation 1952742 (VCV001952742.5), dbSNP rs1287389935, ClinGen allele CA395930426.